The following is an entry in ClinVar:

ClinVar aggregate classification (germline): Uncertain significance (1 of 4 stars; one submission).

Submission:

GeneDx
Classification: Uncertain significance. Last evaluated: 2018-01-10. Review status: criteria provided, single submitter. Criteria: GeneDx Variant Classification (06012015). Collection method: clinical testing. Allele origin: germline. Affected: yes.
Comment: The c.4494_4502dupTGAGAAGGG variant has not been published as pathogenic or been reported as benign to our knowledge. The c.4494_4502dupTGAGAAGGG variant has not been observed in large population cohorts (Lek et al., 2016). This variant results in a in-frame duplication of three amino acid residues occuring within a Gly-X-Y motif in the triple helical region of the COL5A1 gene, beginning at codon glutamic acid 1499 and ending at codon glycine 1501. Furthermore, splicing algorithms predict this variant results in the creation of a cryptic splice donor site upstream of the natural site in intron 58, which may affect splicing. Nevertheless, this variant lacks observation in a significant number of affected individuals, segregation data, and functional evidence, which would further clarify its pathogenicity.

NM_000093.5(COL5A1):c.4494_4502dup (p.Glu1499_Gly1501dup)

Genes: COL5A1 (collagen type V alpha 1 chain; plus strand), LOC101448202 (uncharacterized LOC101448202; minus strand). Cytogenetic location: 9q34.3.
Variant type: Duplication.
Coding change: c.4494_4502dup on transcript NM_000093.5 (MANE Select); coding-DNA positions 4494 to 4502, 9 bases duplicated (TGAGAAGGG; older notation c.4494_4502dupTGAGAAGGG).
Protein change: p.Glu1499_Gly1501dup.
Molecular consequence: inframe insertion. On other transcripts: non-coding transcript variant (1).
Genome position (GRCh38, 1-based): chr9:134,820,163-134,820,171, TGAGAAGGG duplicated; duplicating any 9 consecutive bases within chr9:134,820,159-134,820,171 gives the same sequence; the c. name uses the placement nearest the transcript's 3' end. VCF-style (leftmost placement, unchanged base first): chr9-134820158-C-CAGGGTGAGA. GRCh37 (hg19) VCF-style: chr9-137712004-C-CAGGGTGAGA.
Other names: c.4494_4502dup, p.Glu1499_Gly1501dup (NM_001278074.1).
Identifiers: ClinVar variation 504095 (VCV000504095.2), dbSNP rs1554807011, ClinGen allele CA658797352.